The following is an entry in ClinVar:

NM_001035.3(RYR2):c.2613+20T>C

Gene: RYR2 (ryanodine receptor 2; plus strand). Cytogenetic location: 1q43.
Variant type: single nucleotide variant.
Coding change: c.2613+20T>C on transcript NM_001035.3 (MANE Select); 20 bases into the intron after coding-DNA position 2613, T replaced by C.
Molecular consequence: intron variant.
Genome position (GRCh38, 1-based): chr1:237,503,525, T>C. VCF-style: chr1-237503525-T-C. GRCh37 (hg19) VCF-style: chr1-237666825-T-C.
Identifiers: ClinVar variation 2741481 (VCV002741481.3), dbSNP rs763278387, ClinGen allele CA086080.

ClinVar aggregate classification (germline): Uncertain significance (1 of 4 stars; one submission).

Conditions:
Catecholaminergic polymorphic ventricular tachycardia 1. Also called: VENTRICULAR TACHYCARDIA, CATECHOLAMINERGIC POLYMORPHIC, 1, WITH OR WITHOUT ATRIAL DYSFUNCTION AND/OR DILATED CARDIOMYOPATHY; RYR2-Related Catecholaminergic Polymorphic Ventricular Tachycardia; VENTRICULAR TACHYCARDIA, STRESS-INDUCED POLYMORPHIC 1. Identifiers: Orphanet 3286, MedGen C1631597, MONDO:0011484, OMIM 604772.

Allele frequency attached by ClinVar (database versions not stated): gnomAD exomes below 0.00001; TOPMed below 0.00001; ExAC 0.00001; gnomAD 0.00001.
gnomAD v4.1: 3 of 1,609,748 alleles (0.00019%); highest among the groups gnomAD compares: South Asian, 0.0011%; no homozygotes.

Submission:

Labcorp Genetics (formerly Invitae), Labcorp
Classification: Uncertain significance for Catecholaminergic polymorphic ventricular tachycardia 1. Last evaluated: 2023-08-10. Review status: criteria provided, single submitter. Criteria: Invitae Variant Classification Sherloc (09022015). Collection method: clinical testing. Allele origin: germline.
Comment: This sequence change falls in intron 22 of the RYR2 gene. It does not directly change the encoded amino acid sequence of the RYR2 protein. This variant is present in population databases (rs763278387, gnomAD 0.003%). This variant has not been reported in the literature in individuals affected with RYR2-related conditions. Algorithms developed to predict the effect of sequence changes on RNA splicing suggest that this variant may create or strengthen a splice site. In summary, the available evidence is currently insufficient to determine the role of this variant in disease. Therefore, it has been classified as a Variant of Uncertain Significance.